The following is an entry in ClinVar:

ClinVar aggregate classification (germline): Uncertain significance (1 of 4 stars; one submission).

Submission:

GeneDx
Classification: Uncertain significance. Last evaluated: 2025-02-20. Review status: criteria provided, single submitter. Criteria: GeneDx Variant Classification Process June 2021. Collection method: clinical testing. Allele origin: germline. Affected: yes.
Comment: Not observed at significant frequency in large population cohorts (gnomAD); In silico analysis indicates that this missense variant does not alter protein structure/function; Has not been previously published as pathogenic or benign to our knowledge

NM_014915.3(ANKRD26):c.1851C>A (p.Ser617Arg)

Gene: ANKRD26 (ankyrin repeat domain containing 26; minus strand). Cytogenetic location: 10p12.1.
Variant type: single nucleotide variant.
Coding change: c.1851C>A on transcript NM_014915.3 (MANE Select); coding-DNA position 1851, C replaced by A.
Protein change: p.Ser617Arg; replaces serine 617 with arginine.
Molecular consequence: missense variant.
Genome position (GRCh38, 1-based): chr10:27,046,487, G>T on the plus strand (C>A on the coding strand, the complement: ANKRD26 is on the minus strand). VCF-style: chr10-27046487-G-T. GRCh37 (hg19) VCF-style: chr10-27335416-G-T.
Other names: c.1848C>A, p.Ser616Arg (NM_001256053.2); short protein forms S616R, S617R.
Identifiers: ClinVar variation 4076692 (VCV004076692.1).
Genomic context (GRCh38, chr10:27,046,487, plus strand): 5'-GGCCTTCCCAAACACTGGTGAATTCACAGATTCTTTCGAGGTCCGTTTTTCTTTTTCAGT[G>T]CTCTTTACTTCCTTCATTTGCAAGGCAGGACCACTACTTTAAAAAATCCATGGGAAATGA-3'
Protein context (NP_055730.2, residues 607-627): GPALQMKEVK[Ser617Arg]TEKEKRTSKE